The following is an entry in ClinVar:

NM_030962.4(SBF2):c.3250G>A (p.Val1084Ile)

Genes: SBF2 (SET binding factor 2; minus strand), LOC101928008 (uncharacterized LOC101928008; plus strand). Cytogenetic location: 11p15.4.
Variant type: single nucleotide variant.
Coding change: c.3250G>A on transcript NM_030962.4 (MANE Select); coding-DNA position 3250, G replaced by A.
Protein change: p.Val1084Ile; replaces valine 1084 with isoleucine.
Molecular consequence: missense variant.
Genome position (GRCh38, 1-based): chr11:9,842,631, C>T on the plus strand (G>A on the coding strand, the complement: SBF2 is on the minus strand). VCF-style: chr11-9842631-C-T. GRCh37 (hg19) VCF-style: chr11-9864178-C-T.
Other names: c.3250G>A, p.Val1084Ile (NM_001386339.1); c.3121G>A, p.Val1041Ile (NM_001386342.1); c.3250G>A (NM_030962.3); short protein forms V1084I, V1041I.
Identifiers: ClinVar variation 1016197 (VCV001016197.8), dbSNP rs1331366931, ClinGen allele CA379630799.

ClinVar aggregate classification (germline): Conflicting classifications of pathogenicity. Review status: criteria provided, conflicting classifications (1 of 4 stars). 2 submissions from 2 submitters: Uncertain significance (1); Likely benign (1). Last evaluated 2023-12-26.

Conditions:
Charcot-Marie-Tooth disease type 4. Also called: Charcot-Marie-Tooth disease, type IV; Charcot-Marie-Tooth, Type 4. Identifiers: Orphanet 64749, MedGen C4082197, MONDO:0018995.
Inborn genetic diseases. Identifiers: MedGen C0950123, MeSH D030342.

Allele frequency attached by ClinVar (database versions not stated): TOPMed 0.00001.
gnomAD v4.1: 5 of 1,613,912 alleles (0.00031%); highest among the groups gnomAD compares: Admixed American, 0.0033%; no homozygotes.

Submissions (2):

Ambry Genetics
Classification: Likely benign for Inborn genetic diseases. Last evaluated: 2023-12-26. Review status: criteria provided, single submitter. Criteria: Ambry Variant Classification Scheme 2023. Collection method: clinical testing. Allele origin: germline.

Labcorp Genetics (formerly Invitae), Labcorp
Classification: Uncertain significance for Charcot-Marie-Tooth disease type 4. Last evaluated: 2022-01-29. Review status: criteria provided, single submitter. Criteria: Invitae Variant Classification Sherloc (09022015). Collection method: clinical testing. Allele origin: germline.
Comment: ClinVar contains an entry for this variant (Variation ID: 1016197). This variant has not been reported in the literature in individuals affected with SBF2-related conditions. This variant is present in population databases (no rsID available, gnomAD 0.003%). This sequence change replaces valine, which is neutral and non-polar, with isoleucine, which is neutral and non-polar, at codon 1084 of the SBF2 protein (p.Val1084Ile). Algorithms developed to predict the effect of missense changes on protein structure and function output the following: SIFT: "Tolerated"; PolyPhen-2: "Benign"; Align-GVGD: "Class C0". The isoleucine amino acid residue is found in multiple mammalian species, which suggests that this missense change does not adversely affect protein function. In summary, the available evidence is currently insufficient to determine the role of this variant in disease. Therefore, it has been classified as a Variant of Uncertain Significance.